The following is an entry in ClinVar:

ClinVar aggregate classification (germline): Likely pathogenic (1 of 4 stars; one submission).

Conditions:
Autosomal recessive limb-girdle muscular dystrophy type R18 (LGMDR18). Also called: Autosomal recessive limb-girdle muscular dystrophy type 2S; Limb-girdle muscular dystrophy, type 2S; MUSCULAR DYSTROPHY, LIMB-GIRDLE, AUTOSOMAL RECESSIVE 18. Identifiers: Orphanet 369840, MedGen C4517996, MONDO:0014144, OMIM 615356.

Allele frequency attached by ClinVar (database versions not stated): gnomAD exomes below 0.00001.
gnomAD v4.1: 1 of 1,601,170 alleles (0.000062%); highest among the groups gnomAD compares: Non-Finnish European, 0.000085%; no homozygotes.

Submission:

Labcorp Genetics (formerly Invitae), Labcorp
Classification: Likely pathogenic for Autosomal recessive limb-girdle muscular dystrophy type R18. Last evaluated: 2023-08-17. Review status: criteria provided, single submitter. Criteria: Invitae Variant Classification Sherloc (09022015). Collection method: clinical testing. Allele origin: germline.
Comment: In summary, the currently available evidence indicates that the variant is pathogenic, but additional data are needed to prove that conclusively. Therefore, this variant has been classified as Likely Pathogenic. Algorithms developed to predict the effect of sequence changes on RNA splicing suggest that this variant may disrupt the consensus splice site. This variant has not been reported in the literature in individuals affected with TRAPPC11-related conditions. This variant is not present in population databases (gnomAD no frequency). This sequence change affects a donor splice site in intron 9 of the TRAPPC11 gene. It is expected to disrupt RNA splicing. Variants that disrupt the donor or acceptor splice site typically lead to a loss of protein function (PMID: 16199547), and loss-of-function variants in TRAPPC11 are known to be pathogenic (PMID: 23830518, 26322222).

Literature cited by the submitters: PubMed 16199547; PubMed 23830518; PubMed 26322222.

NM_021942.6(TRAPPC11):c.965+1G>A

Gene: TRAPPC11 (trafficking protein particle complex subunit 11; plus strand). Cytogenetic location: 4q35.1.
Variant type: single nucleotide variant.
Coding change: c.965+1G>A on transcript NM_021942.6 (MANE Select); the canonical splice donor site of the intron after coding-DNA position 965, G replaced by A.
Molecular consequence: splice donor variant.
Genome position (GRCh38, 1-based): chr4:183,679,487, G>A. VCF-style: chr4-183679487-G-A. GRCh37 (hg19) VCF-style: chr4-184600640-G-A.
Other names: c.965+1G>A (NM_199053.3).
Identifiers: ClinVar variation 2903670 (VCV002903670.3), dbSNP rs2476847103, ClinGen allele CA358862508.